The following is an entry in ClinVar:

NM_001034850.3(RETREG1):c.1046A>G (p.Asp349Gly)

Gene: RETREG1 (reticulophagy regulator 1; minus strand). Cytogenetic location: 5p15.1.
Variant type: single nucleotide variant.
Coding change: c.1046A>G on transcript NM_001034850.3 (MANE Select); coding-DNA position 1046, A replaced by G.
Protein change: p.Asp349Gly; replaces aspartic acid 349 with glycine.
Molecular consequence: missense variant.
Genome position (GRCh38, 1-based): chr5:16,475,189, T>C on the plus strand (A>G on the coding strand, the complement: RETREG1 is on the minus strand). VCF-style: chr5-16475189-T-C. GRCh37 (hg19) VCF-style: chr5-16475298-T-C.
Other names: c.623A>G, p.Asp208Gly (NM_019000.5); short protein forms D208G, D349G.
Identifiers: ClinVar variation 956286 (VCV000956286.7), dbSNP rs1468614294, ClinGen allele CA359256742.

ClinVar aggregate classification (germline): Uncertain significance (1 of 4 stars; one submission).

Allele frequency attached by ClinVar (database versions not stated): gnomAD 0.00001; gnomAD exomes 0.00001 and 0.00002; TOPMed 0.00001.
gnomAD v4.1: 28 of 1,613,472 alleles (0.0017%); highest among the groups gnomAD compares: Non-Finnish European, 0.0024%; no homozygotes.

Submission:

Labcorp Genetics (formerly Invitae), Labcorp
Classification: Uncertain significance. Last evaluated: 2022-07-26. Review status: criteria provided, single submitter. Criteria: Invitae Variant Classification Sherloc (09022015). Collection method: clinical testing. Allele origin: germline.
Comment: This sequence change replaces aspartic acid, which is acidic and polar, with glycine, which is neutral and non-polar, at codon 349 of the RETREG1 protein (p.Asp349Gly). This variant is present in population databases (no rsID available, gnomAD 0.002%). This variant has not been reported in the literature in individuals affected with RETREG1-related conditions. ClinVar contains an entry for this variant (Variation ID: 956286). Algorithms developed to predict the effect of missense changes on protein structure and function are either unavailable or do not agree on the potential impact of this missense change (SIFT: "Deleterious"; PolyPhen-2: "Possibly Damaging"; Align-GVGD: "Class C15"). In summary, the available evidence is currently insufficient to determine the role of this variant in disease. Therefore, it has been classified as a Variant of Uncertain Significance.